The following is an entry in ClinVar:

ClinVar aggregate classification (germline): Uncertain significance. Review status: criteria provided, multiple submitters, no conflicts (2 of 4 stars). 2 submissions from 2 submitters: Uncertain significance (2). Last evaluated 2025-08-11.

Conditions:
Familial adenomatous polyposis 1 (FAP1). Also called: POLYPOSIS, ADENOMATOUS INTESTINAL; FAMILIAL ADENOMATOUS POLYPOSIS 1, ATTENUATED. Identifiers: MedGen C2713442, MONDO:0021056, OMIM 175100. Disease mechanism: loss of function.

Submissions (2):

Labcorp Genetics (formerly Invitae), Labcorp
Classification: Uncertain significance for Familial adenomatous polyposis 1. Last evaluated: 2025-08-11. Review status: criteria provided, single submitter. Criteria: Invitae Variant Classification Sherloc (09022015). Collection method: clinical testing. Allele origin: germline.
Comment: This sequence change replaces aspartic acid, which is acidic and polar, with histidine, which is basic and polar, at codon 1637 of the APC protein (p.Asp1637His). This variant is not present in population databases (gnomAD no frequency). This variant has not been reported in the literature in individuals affected with APC-related conditions. ClinVar contains an entry for this variant (Variation ID: 993041). Invitae Evidence Modeling of protein sequence and biophysical properties (such as structural, functional, and spatial information, amino acid conservation, physicochemical variation, residue mobility, and thermodynamic stability) indicates that this missense variant is not expected to disrupt APC protein function with a negative predictive value of 95%. In summary, the available evidence is currently insufficient to determine the role of this variant in disease. Therefore, it has been classified as a Variant of Uncertain Significance.

Quest Diagnostics Nichols Institute San Juan Capistrano
Classification: Uncertain significance. Last evaluated: 2020-07-07. Review status: criteria provided, single submitter. Criteria: Quest Diagnostics criteria. Collection method: clinical testing. Allele origin: unknown.

NM_000038.6(APC):c.4909G>C (p.Asp1637His)

Gene: APC (APC regulator of Wnt signaling pathway; plus strand). Cytogenetic location: 5q22.2.
Variant type: single nucleotide variant.
Coding change: c.4909G>C on transcript NM_000038.6 (MANE Select); coding-DNA position 4909, G replaced by C.
Protein change: p.Asp1637His; replaces aspartic acid 1637 with histidine.
Molecular consequence: missense variant.
Genome position (GRCh38, 1-based): chr5:112,840,503, G>C. VCF-style: chr5-112840503-G-C. GRCh37 (hg19) VCF-style: chr5-112176200-G-C.
Other names: c.4909G>C, p.Asp1637His (NM_001127510.3, NM_001354895.2); c.4855G>C, p.Asp1619His (NM_001127511.3); c.4963G>C, p.Asp1655His (NM_001354896.2); c.4939G>C, p.Asp1647His (NM_001354897.2); c.4834G>C, p.Asp1612His (NM_001354898.2); c.4825G>C, p.Asp1609His (NM_001354899.2); c.4786G>C, p.Asp1596His (NM_001354900.2); c.4732G>C, p.Asp1578His (NM_001354901.2); and 5 more; short protein forms D1354H, D1477H, D1511H, D1536H, D1546H, D1578H, D1596H, D1609H.
Identifiers: ClinVar variation 993041 (VCV000993041.2), dbSNP rs1765803734, ClinGen allele CA16032085.
Genomic context (GRCh38, chr5:112,840,503, plus strand): 5'-CTTCTACCATCACAAAACAGGTTGCAACCCCAAAAGCATGTTAGTTTTACACCGGGGGAT[G>C]ATATGCCACGGGTGTATTGTGTTGAAGGGACACCTATAAACTTTTCCACAGCTACATCTC-3'
Protein context (NP_000029.2, residues 1627-1647): QKHVSFTPGD[Asp1637His]MPRVYCVEGT